The following is an entry in ClinVar:

NM_015340.4(LARS2):c.1514C>T (p.Ser505Phe)

Genes: LARS2 (leucyl-tRNA synthetase 2, mitochondrial; plus strand), LARS2-AS1 (LARS2 antisense RNA 1; minus strand). Cytogenetic location: 3p21.31.
Variant type: single nucleotide variant.
Coding change: c.1514C>T on transcript NM_015340.4 (MANE Select); coding-DNA position 1514, C replaced by T.
Protein change: p.Ser505Phe; replaces serine 505 with phenylalanine.
Molecular consequence: missense variant.
Genome position (GRCh38, 1-based): chr3:45,491,791, C>T. VCF-style: chr3-45491791-C-T. GRCh37 (hg19) VCF-style: chr3-45533283-C-T.
Other names: c.1514C>T, p.Ser505Phe (NM_001368263.1); short protein forms S505F.
Identifiers: ClinVar variation 1308557 (VCV001308557.2), dbSNP rs750659632, ClinGen allele CA2349616.

ClinVar aggregate classification (germline): Uncertain significance (1 of 4 stars; one submission).

Allele frequency attached by ClinVar (database versions not stated): TOPMed below 0.00001; gnomAD exomes 0.00001; ExAC 0.00002.
gnomAD v4.1: 7 of 1,613,626 alleles (0.00043%); highest among the groups gnomAD compares: Non-Finnish European, 0.00051%; no homozygotes.

Submission:

GeneDx
Classification: Uncertain significance. Last evaluated: 2019-04-17. Review status: criteria provided, single submitter. Criteria: GeneDx Variant Classification Process June 2021. Collection method: clinical testing. Allele origin: germline. Affected: yes.
Comment: Has not been previously published as pathogenic or benign to our knowledge